The following is an entry in ClinVar:

NM_138713.4(NFAT5):c.4588G>A (p.Glu1530Lys)

Gene: NFAT5 (nuclear factor of activated T cells 5; plus strand). Cytogenetic location: 16q22.1.
Variant type: single nucleotide variant.
Coding change: c.4588G>A on transcript NM_138713.4 (MANE Select); coding-DNA position 4588, G replaced by A.
Protein change: p.Glu1530Lys; replaces glutamic acid 1530 with lysine.
Molecular consequence: missense variant.
Genome position (GRCh38, 1-based): chr16:69,695,309, G>A. VCF-style: chr16-69695309-G-A. GRCh37 (hg19) VCF-style: chr16-69729212-G-A.
Other names: c.4306G>A, p.Glu1436Lys (NM_138714.4, NM_173214.3, NM_173215.3); c.4585G>A, p.Glu1529Lys (NM_001113178.3); c.3913G>A, p.Glu1305Lys (NM_001367709.1); c.4534G>A, p.Glu1512Lys (NM_006599.4); short protein forms E1305K, E1530K, E1512K, E1529K, E1436K.
Identifiers: ClinVar variation 4119256 (VCV004119256.2).
Genomic context (GRCh38, chr16:69,695,309, plus strand): 5'-TCTCAGCAAATGCCAGAGAATTCTCCACTGGCATCCTCTATAAACACCAACCAGAACATC[G>A]AAAAGATTGATTTGCTTGTTTCATTGCAAAACCAAGGGAACAACTTGACTGGCTCCTTTT-3'
Protein context (NP_619727.2, residues 1520-1540): ASSINTNQNI[Glu1530Lys]KIDLLVSLQN

ClinVar aggregate classification (germline): Uncertain significance. Review status: criteria provided, multiple submitters, no conflicts (2 of 4 stars). 2 submissions from 2 submitters: Uncertain significance (2). Last evaluated 2026-01-28.

Conditions:
Immunodeficiency. Identifiers: MedGen C0021051, MONDO:0021094, HP:0002721.

gnomAD v4.1: 8 of 1,613,974 alleles (0.0005%); highest among the groups gnomAD compares: East Asian, 0.0022%; no homozygotes.

Submissions (2):

Labcorp Genetics (formerly Invitae), Labcorp
Classification: Uncertain significance for Immunodeficiency. Last evaluated: 2026-01-28. Review status: criteria provided, single submitter. Criteria: Invitae Variant Classification Sherloc (09022015). Collection method: clinical testing. Allele origin: germline.
Comment: This sequence change replaces glutamic acid, which is acidic and polar, with lysine, which is basic and polar, at codon 1436 of the NFAT5 protein (p.Glu1436Lys). This variant is present in population databases (no rsID available, gnomAD 0.0009%). This variant has not been reported in the literature in individuals affected with NFAT5-related conditions. ClinVar contains an entry for this variant (Variation ID: 4119256). An algorithm developed to predict the effect of missense changes on protein structure and function (PolyPhen-2) suggests that this variant is likely to be tolerated. In summary, the available evidence is currently insufficient to determine the role of this variant in disease. Therefore, it has been classified as a Variant of Uncertain Significance.

Ambry Genetics
Classification: Uncertain significance. Last evaluated: 2025-08-25. Review status: criteria provided, single submitter. Criteria: Ambry Variant Classification Scheme 2023. Collection method: clinical testing. Allele origin: germline.